The following is an entry in ClinVar:

NM_004525.3(LRP2):c.11020T>G (p.Ser3674Ala)

Gene: LRP2 (LDL receptor related protein 2; minus strand). Cytogenetic location: 2q31.1.
Variant type: single nucleotide variant.
Coding change: c.11020T>G on transcript NM_004525.3 (MANE Select); coding-DNA position 11020, T replaced by G.
Protein change: p.Ser3674Ala; replaces serine 3674 with alanine.
Molecular consequence: missense variant.
Genome position (GRCh38, 1-based): chr2:169,173,219, A>C on the plus strand (T>G on the coding strand, the complement: LRP2 is on the minus strand). VCF-style: chr2-169173219-A-C. GRCh37 (hg19) VCF-style: chr2-170029729-A-C.
Other names: short protein forms S3674A.
Identifiers: ClinVar variation 1396428 (VCV001396428.3), dbSNP rs201459276, ClinGen allele CA1953182.

ClinVar aggregate classification (germline): Uncertain significance (1 of 4 stars; one submission).

Allele frequency attached by ClinVar (database versions not stated): gnomAD exomes below 0.00001 and 0.00001; TOPMed 0.00001; ExAC 0.00002.
gnomAD v4.1: 5 of 1,614,196 alleles (0.00031%); highest among the groups gnomAD compares: East Asian, 0.011%; no homozygotes.

Submission:

Labcorp Genetics (formerly Invitae), Labcorp
Classification: Uncertain significance. Last evaluated: 2021-12-06. Review status: criteria provided, single submitter. Criteria: Invitae Variant Classification Sherloc (09022015). Collection method: clinical testing. Allele origin: germline.
Comment: This sequence change replaces serine, which is neutral and polar, with alanine, which is neutral and non-polar, at codon 3674 of the LRP2 protein (p.Ser3674Ala). This variant is present in population databases (rs201459276, gnomAD 0.006%). This variant has not been reported in the literature in individuals affected with LRP2-related conditions. Advanced modeling of protein sequence and biophysical properties (such as structural, functional, and spatial information, amino acid conservation, physicochemical variation, residue mobility, and thermodynamic stability) performed at Invitae indicates that this missense variant is not expected to disrupt LRP2 protein function. In summary, the available evidence is currently insufficient to determine the role of this variant in disease. Therefore, it has been classified as a Variant of Uncertain Significance.